The following is an entry in ClinVar:

NM_001127649.3(PEX26):c.613del (p.Gln205fs)

Gene: PEX26 (peroxisomal biogenesis factor 26; plus strand). Cytogenetic location: 22q11.21.
Variant type: Deletion.
Coding change: c.613del on transcript NM_001127649.3 (MANE Select); coding-DNA position 613, one base deleted (C; older notation c.613delC).
Protein change: p.Gln205fs; shifts the reading frame from glutamine 205.
Molecular consequence: frameshift variant.
Genome position (GRCh38, 1-based): chr22:18,083,678, C deleted. VCF-style (leftmost placement, unchanged base first): chr22-18083677-GC-G. GRCh37 (hg19) VCF-style: chr22-18566443-GC-G.
Other names: c.613del, p.Gln205fs (NM_001199319.2, NM_017929.6); short protein forms Q205fs.
Identifiers: ClinVar variation 1323438 (VCV001323438.7), dbSNP rs2123654642, ClinGen allele CA2573054970.

ClinVar aggregate classification (germline): Pathogenic. Review status: criteria provided, multiple submitters, no conflicts (2 of 4 stars). 2 submissions from 2 submitters: Pathogenic (2). Last evaluated 2023-12-21.

Conditions:
Peroxisome biogenesis disorder 7A (Zellweger). Also called: Peroxisome biogenesis disorder 7A. Identifiers: Orphanet 912, MedGen C3888385, MONDO:0013938, OMIM 614872.
Peroxisome biogenesis disorder 7B (PBD7B). Identifiers: Orphanet 44, MedGen C3553951, MONDO:0013939, OMIM 614873.

Submissions (2):

Labcorp Genetics (formerly Invitae), Labcorp
Classification: Pathogenic for Peroxisome biogenesis disorder 7A (Zellweger); Peroxisome biogenesis disorder 7B. Last evaluated: 2023-12-21. Review status: criteria provided, single submitter. Criteria: Invitae Variant Classification Sherloc (09022015). Collection method: clinical testing. Allele origin: germline.
Comment: This sequence change creates a premature translational stop signal (p.Gln205Serfs*40) in the PEX26 gene. It is expected to result in an absent or disrupted protein product. Loss-of-function variants in PEX26 are known to be pathogenic (PMID: 12851857, 21031596). This variant is not present in population databases (gnomAD no frequency). This variant has not been reported in the literature in individuals affected with PEX26-related conditions. ClinVar contains an entry for this variant (Variation ID: 1323438). For these reasons, this variant has been classified as Pathogenic.

Revvity Omics, Revvity
Classification: Pathogenic. Last evaluated: 2019-06-19. Review status: criteria provided, single submitter. Criteria: ACMG Guidelines, 2015. Collection method: clinical testing. Allele origin: germline.

Literature cited by the submitters: PubMed 12851857 (cited by Labcorp Genetics (formerly Invitae), Labcorp); PubMed 21031596 (cited by Labcorp Genetics (formerly Invitae), Labcorp).